The following is an entry in ClinVar:

ClinVar aggregate classification (germline): Benign/Likely benign. Review status: criteria provided, multiple submitters, no conflicts (2 of 4 stars). 7 submissions from 7 submitters: Benign (3); Likely benign (4). Last evaluated 2026-01-27.

Conditions:
Ehlers-Danlos syndrome, classic type, 2 (EDSCL2). Also called: Ehlers-Danlos syndrome, type 2; Ehlers-Danlos syndrome type 2 (formerly); Ehlers-Danlos Syndrome, Classic Type, COL5A2-Related. Identifiers: Orphanet 287, Orphanet 90318, MedGen C0268336, MONDO:0019568, OMIM 130010.
Ehlers-Danlos syndrome, classic type, 1 (EDSCL1). Also called: EHLERS-DANLOS SYNDROME, GRAVIS TYPE; EHLERS-DANLOS SYNDROME, SEVERE CLASSIC TYPE; Ehlers-Danlos syndrome, type 1; Ehlers-Danlos Syndrome, Classic Type, COL5A1-Related; EDS I. Identifiers: MedGen C0268335, MONDO:0019567, OMIM 130000.
Familial thoracic aortic aneurysm and aortic dissection (TAAD). Also called: Thoracic aortic aneurysms and dissections. Identifiers: Orphanet 91387, MedGen C4707243, MONDO:0019625.

Allele frequency attached by ClinVar (database versions not stated): gnomAD exomes 0.00020 and 0.00051; ExAC 0.00055; 1000 Genomes Project 30x 0.00109; 1000 Genomes Project 0.00120; gnomAD 0.00182 and 0.00199; TOPMed 0.00213; ESP Exome Variant Server 0.00254.
gnomAD v4.1: 567 of 1,611,898 alleles (0.035%); highest among the groups gnomAD compares: African/African-American, 0.7%; 3 homozygotes.

Submissions (7):

Labcorp Genetics (formerly Invitae), Labcorp
Classification: Benign for Ehlers-Danlos syndrome, classic type, 1. Last evaluated: 2026-01-27. Review status: criteria provided, single submitter. Criteria: Invitae Variant Classification Sherloc (09022015). Collection method: clinical testing. Allele origin: germline.

Mayo Clinic Laboratories, Mayo Clinic
Classification: Likely benign. Last evaluated: 2024-12-20. Review status: criteria provided, single submitter. Criteria: ACMG Guidelines, 2015. Collection method: clinical testing. Allele origin: germline. Observed: 2 variant alleles.
Comment: BS1, BS2_supporting, PP3

Blueprint Genetics
Classification: Likely benign. Last evaluated: 2024-07-30. Review status: criteria provided, single submitter. Criteria: ACMG Guidelines, 2015. Collection method: clinical testing. Allele origin: germline.

Women's Health and Genetics/Laboratory Corporation of America, LabCorp
Classification: Likely benign. Last evaluated: 2023-08-24. Review status: criteria provided, single submitter. Criteria: LabCorp Variant Classification Summary - May 2015. Collection method: clinical testing. Allele origin: germline.

GeneDx
Classification: Benign. Last evaluated: 2018-04-16. Review status: criteria provided, single submitter. Criteria: GeneDx Variant Classification Process June 2021. Collection method: clinical testing. Allele origin: germline. Affected: yes.

Illumina Laboratory Services, Illumina
Classification: Benign for Ehlers-Danlos syndrome, classic type, 2. Last evaluated: 2018-01-13. Review status: criteria provided, single submitter. Criteria: ICSL Variant Classification Criteria 13 December 2019. Collection method: clinical testing. Allele origin: germline.
Comment: This variant was observed in the ICSL laboratory as part of a predisposition screen in an ostensibly healthy population. It had not been previously curated by ICSL or reported in the Human Gene Mutation Database (HGMD: prior to June 1st, 2018), and was therefore a candidate for classification through an automated scoring system. Utilizing variant allele frequency, disease prevalence and penetrance estimates, and inheritance mode, an automated score was calculated to assess if this variant is too frequent to cause the disease. Based on the score and internal cut-off values, a variant classified as benign is not then subjected to further curation. The score for this variant resulted in a classification of benign for this disease.

Ambry Genetics
Classification: Likely benign for Familial thoracic aortic aneurysm and aortic dissection. Last evaluated: 2016-11-29. Review status: criteria provided, single submitter. Criteria: Ambry Variant Classification Scheme 2023. Collection method: clinical testing. Allele origin: germline.

NM_000393.5(COL5A2):c.1454C>A (p.Pro485Gln)

Gene: COL5A2 (collagen type V alpha 2 chain; minus strand). Cytogenetic location: 2q32.2.
Variant type: single nucleotide variant.
Coding change: c.1454C>A on transcript NM_000393.5 (MANE Select); coding-DNA position 1454, C replaced by A.
Protein change: p.Pro485Gln; replaces proline 485 with glutamine.
Molecular consequence: missense variant.
Genome position (GRCh38, 1-based): chr2:189,066,730, G>T on the plus strand (C>A on the coding strand, the complement: COL5A2 is on the minus strand). VCF-style: chr2-189066730-G-T. GRCh37 (hg19) VCF-style: chr2-189931456-G-T.
Other names: p.P485Q:CCA>CAA; p.Pro485Gln; c.1454C>A (NM_000393.4); short protein forms P485Q.
Identifiers: ClinVar variation 213074 (VCV000213074.25), dbSNP rs145281966, ClinGen allele CA322565.